The following is an entry in ClinVar:

NM_015972.4(POLR1D):c.220dup (p.His74fs)

Genes: POLR1D (RNA polymerase I and III subunit D; plus strand), LOC147380392 (uncharacterized LOC147380392; plus strand). Cytogenetic location: 13q12.2.
Variant type: Duplication.
Coding change: c.220dup on transcript NM_015972.4 (MANE Select); coding-DNA position 220, one base duplicated (C; older notation c.220dupC).
Protein change: p.His74fs; shifts the reading frame from histidine 74.
Molecular consequence: frameshift variant. On other transcripts: intron variant (2).
Genome position (GRCh38, 1-based): chr13:27,623,068, C duplicated; the last of 3 consecutive C bases (chr13:27,623,066-27,623,068); duplicating any one gives the same sequence. VCF-style (leftmost placement, unchanged base first): chr13-27623065-A-AC. GRCh37 (hg19) VCF-style: chr13-28197202-A-AC.
Other names: c.220dup, p.His74fs (NM_001374407.1); c.-59+1928dup (NM_001206559.2); c.26+1059dup (NM_152705.3); short protein forms H74fs.
Identifiers: ClinVar variation 3899327 (VCV003899327.1).
Genomic context (GRCh38, chr13:27,623,065, plus strand): 5'-AATTCTCTACGTTACATGATCATGAAGAACCCGGAAGTGGAATTTTGTGGTTACACTACG[A>AC]CCCATCCTTCAGAGAGCAAAATTAATTTACGCATTCAGACTCGAGGTACCCTTCCAGCTG-3'

ClinVar aggregate classification (germline): Likely pathogenic (1 of 4 stars; one submission).

Conditions:
Treacher Collins syndrome 2 (TCS2). Also called: POLR1D-Related Treacher Collins Syndrome; TREACHER COLLINS SYNDROME 2, AUTOSOMAL RECESSIVE. Identifiers: Orphanet 861, MedGen C3150983, MONDO:0013385, OMIM 613717.

Submission:

Pediatrics, Sichuan Provincial Hospital For Women And Children
Classification: Likely pathogenic for Treacher Collins syndrome 2. Review status: criteria provided, single submitter. Criteria: ACMG Guidelines, 2015. Collection method: clinical testing. Allele origin: germline. Inheritance: Autosomal dominant inheritance. Affected: yes.
Comment: The POLR1D c.220dup variant is predicted to result in a frameshift and premature protein termination (p.His74ProfsTer8). To our knowledge, this variant has not been reported in the literature or in a large population database, indicating this variant is rare. Loss-of-function variants upstream and downstream of this variant have been reported in patients with autosomal dominant Treacher Collins syndrome. Frameshift variants in POLR1D gene are expected to be pathogenic. This variant is interpreted as likely pathogenic